The following is an entry in ClinVar:

NM_001312909.2(FAM111A):c.326A>G (p.Asn109Ser)

Gene: FAM111A (FAM111 trypsin like peptidase A; plus strand). Cytogenetic location: 11q12.1.
Variant type: single nucleotide variant.
Coding change: c.326A>G on transcript NM_001312909.2 (MANE Select); coding-DNA position 326, A replaced by G.
Protein change: p.Asn109Ser; replaces asparagine 109 with serine.
Molecular consequence: missense variant.
Genome position (GRCh38, 1-based): chr11:59,151,994, A>G. VCF-style: chr11-59151994-A-G. GRCh37 (hg19) VCF-style: chr11-58919467-A-G.
Other names: c.326A>G, p.Asn109Ser (NM_001374859.1, NM_001374860.1, NM_001374861.1 and 29 more transcripts); short protein forms N109S.
Identifiers: ClinVar variation 2225392 (VCV002225392.26), dbSNP rs2496276296, ClinGen allele CA380772157.

ClinVar aggregate classification (germline): Uncertain significance. Review status: criteria provided, multiple submitters, no conflicts (2 of 4 stars). 2 submissions from 2 submitters: Uncertain significance (2). Last evaluated 2025-01-24.

Conditions:
Inborn genetic diseases. Identifiers: MedGen C0950123, MeSH D030342.

Allele frequency attached by ClinVar (database versions not stated): gnomAD exomes below 0.00001.
gnomAD v4.1: 4 of 1,614,212 alleles (0.00025%); highest among the groups gnomAD compares: Non-Finnish European, 0.00025%; no homozygotes.

Submissions (2):

Ambry Genetics
Classification: Uncertain significance for Inborn genetic diseases. Last evaluated: 2025-01-24. Review status: criteria provided, single submitter. Criteria: Ambry Variant Classification Scheme 2023. Collection method: clinical testing. Allele origin: germline.

CeGaT Center for Human Genetics Tuebingen
Classification: Uncertain significance. Last evaluated: 2023-11-01. Review status: criteria provided, single submitter. Criteria: CeGaT Center For Human Genetics Tuebingen Variant Classification Criteria Version 2. Collection method: clinical testing. Allele origin: germline. Affected: yes. Observed: 1 variant allele.
Comment: FAM111A: PM2, BP4